The following is an entry in ClinVar:

ClinVar aggregate classification (germline): Uncertain significance. Review status: criteria provided, multiple submitters, no conflicts (2 of 4 stars). 2 submissions from 2 submitters: Uncertain significance (2). Last evaluated 2022-06-20.

Conditions:
Familial cold autoinflammatory syndrome 2 (FCAS2). Identifiers: Orphanet 247868, MedGen C2673198, MONDO:0012724, OMIM 611762.

Allele frequency attached by ClinVar (database versions not stated): gnomAD exomes below 0.00001.
gnomAD v4.1: 6 of 1,614,138 alleles (0.00037%); highest among the groups gnomAD compares: Non-Finnish European, 0.00051%; no homozygotes.

Submissions (2):

Labcorp Genetics (formerly Invitae), Labcorp
Classification: Uncertain significance for Familial cold autoinflammatory syndrome 2. Last evaluated: 2022-06-20. Review status: criteria provided, single submitter. Criteria: Invitae Variant Classification Sherloc (09022015). Collection method: clinical testing. Allele origin: germline.
Comment: In summary, the available evidence is currently insufficient to determine the role of this variant in disease. Therefore, it has been classified as a Variant of Uncertain Significance. Algorithms developed to predict the effect of missense changes on protein structure and function output the following: SIFT: "Tolerated"; PolyPhen-2: "Benign"; Align-GVGD: "Class C0". The lysine amino acid residue is found in multiple mammalian species, which suggests that this missense change does not adversely affect protein function. ClinVar contains an entry for this variant (Variation ID: 893134). This variant has not been reported in the literature in individuals affected with NLRP12-related conditions. This variant is not present in population databases (gnomAD no frequency). This sequence change replaces arginine, which is basic and polar, with lysine, which is basic and polar, at codon 508 of the NLRP12 protein (p.Arg508Lys).

Illumina Laboratory Services, Illumina
Classification: Uncertain significance for Familial cold autoinflammatory syndrome 2. Last evaluated: 2018-01-13. Review status: criteria provided, single submitter. Criteria: ICSL Variant Classification Criteria 13 December 2019. Collection method: clinical testing. Allele origin: germline.

NM_144687.4(NLRP12):c.1523G>A (p.Arg508Lys)

Gene: NLRP12 (NLR family pyrin domain containing 12; minus strand). Cytogenetic location: 19q13.42.
Variant type: single nucleotide variant.
Coding change: c.1523G>A on transcript NM_144687.4 (MANE Select); coding-DNA position 1523, G replaced by A.
Protein change: p.Arg508Lys; replaces arginine 508 with lysine.
Molecular consequence: missense variant.
Genome position (GRCh38, 1-based): chr19:53,810,136, C>T on the plus strand (G>A on the coding strand, the complement: NLRP12 is on the minus strand). VCF-style: chr19-53810136-C-T. GRCh37 (hg19) VCF-style: chr19-54313390-C-T.
Other names: c.1523G>A, p.Arg508Lys (NM_001277126.2, NM_001277129.1); short protein forms R508K.
Identifiers: ClinVar variation 893134 (VCV000893134.11), dbSNP rs2092040588, ClinGen allele CA407413254.